The following is an entry in ClinVar:

ClinVar aggregate classification (germline): Conflicting classifications of pathogenicity. Review status: criteria provided, conflicting classifications (1 of 4 stars). 3 submissions from 3 submitters: Likely pathogenic (1); Uncertain significance (1). 1 of the submissions does not count toward it. Last evaluated 2024-10-08.

Conditions:
GALACTOSIALIDOSIS, EARLY INFANTILE. Identifiers: MedGen C4017294.
Combined deficiency of sialidase AND beta galactosidase (GSL). Also called: GOLDBERG SYNDROME; Galactosialidosis; CATHEPSIN A DEFICIENCY; NEURAMINIDASE DEFICIENCY WITH BETA-GALACTOSIDASE DEFICIENCY; NEURAMINIDASE/BETA-GALACTOSIDASE EXPRESSION; PPCA DEFICIENCY. Identifiers: Orphanet 351, MedGen C0268233, MONDO:0009737, OMIM 256540.

Allele frequency attached by ClinVar (database versions not stated): ExAC 0.00001; gnomAD exomes 0.00001; gnomAD 0.00003; TOPMed 0.00001.
gnomAD v4.1: 12 of 1,614,146 alleles (0.00074%); highest among the groups gnomAD compares: South Asian, 0.0011%; no homozygotes.

Submissions (3):

Women's Health and Genetics/Laboratory Corporation of America, LabCorp
Classification: Likely pathogenic for Combined deficiency of sialidase AND beta galactosidase. Last evaluated: 2024-10-08. Review status: criteria provided, single submitter. Criteria: LabCorp Variant Classification Summary - May 2015. Collection method: clinical testing. Allele origin: germline.
Comment: Variant summary: CTSA c.1315G>A (p.Gly439Ser) results in a non-conservative amino acid change in the encoded protein sequence. Five of five in-silico tools predict a damaging effect of the variant on protein function. The variant allele was found at a frequency of 1.2e-05 in 251436 control chromosomes. c.1315G>A has been reported in the literature in an individual affected with autosomal recessive Galactosialidosis with the second allele change not being detected (Zhou_1996). These report(s) do not provide unequivocal conclusions about association of the variant with Galactosialidosis. At least one publication reports experimental evidence evaluating an impact on protein function in patient-derived fibroblasts. The most pronounced variant effect results in a total loss of enzymatic activity due to attenuated phosphorylation and lysosomal localization and maturation of the mutant precursor (Zhou_1996). ClinVar contains an entry for this variant (Variation ID: 385). Based on the evidence outlined above, the variant was classified as likely pathogenic.

Labcorp Genetics (formerly Invitae), Labcorp
Classification: Uncertain significance for Combined deficiency of sialidase AND beta galactosidase. Last evaluated: 2023-11-24. Review status: criteria provided, single submitter. Criteria: Invitae Variant Classification Sherloc (09022015). Collection method: clinical testing. Allele origin: germline.
Comment: This sequence change replaces glycine, which is neutral and non-polar, with serine, which is neutral and polar, at codon 457 of the CTSA protein (p.Gly457Ser). This variant is present in population databases (rs137854547, gnomAD 0.003%). This missense change has been observed in individual(s) with galactosialidosis (PMID: 8968752). ClinVar contains an entry for this variant (Variation ID: 385). Advanced modeling of protein sequence and biophysical properties (such as structural, functional, and spatial information, amino acid conservation, physicochemical variation, residue mobility, and thermodynamic stability) performed at Invitae indicates that this missense variant is expected to disrupt CTSA protein function with a positive predictive value of 80%. Experimental studies have shown that this missense change affects CTSA function (PMID: 8968752). In summary, the available evidence is currently insufficient to determine the role of this variant in disease. Therefore, it has been classified as a Variant of Uncertain Significance.

OMIM
Classification: Pathogenic for GALACTOSIALIDOSIS, EARLY INFANTILE. Last evaluated: 1991-12-01. Review status: no assertion criteria provided. Collection method: literature only. Allele origin: germline. Not counted in ClinVar's aggregate classification.

Literature cited by the submitters: PubMed 8968752 (cited by Women's Health and Genetics/Laboratory Corporation of America, LabCorp and Labcorp Genetics (formerly Invitae), Labcorp); PubMed 9435242 (cited by Women's Health and Genetics/Laboratory Corporation of America, LabCorp); PubMed 1756715 (cited by OMIM).

NM_000308.4(CTSA):c.1315G>A (p.Gly439Ser)

Gene: CTSA (cathepsin A; plus strand). Cytogenetic location: 20q13.12.
Variant type: single nucleotide variant.
Coding change: c.1315G>A on transcript NM_000308.4 (MANE Select); coding-DNA position 1315, G replaced by A.
Protein change: p.Gly439Ser; replaces glycine 439 with serine.
Molecular consequence: missense variant. On other transcripts: non-coding transcript variant (1).
Genome position (GRCh38, 1-based): chr20:45,898,065, G>A. VCF-style: chr20-45898065-G-A. GRCh37 (hg19) VCF-style: chr20-44526704-G-A.
Other names: G411S; c.1315G>A, p.Gly439Ser (NM_001127695.3); c.1264G>A, p.Gly422Ser (NM_001167594.3); short protein forms G439S, G422S.
Identifiers: ClinVar variation 385 (VCV000000385.5), dbSNP rs137854547, ClinGen allele CA114224.
Genomic context (GRCh38, chr20:45,898,065, plus strand): 5'-ATGGAGGTGCAGCGCCGGCCCTGGTTAGTGAAGTACGGGGACAGCGGGGAGCAGATTGCC[G>A]GCTTCGTGAAGGAGTTCTCCCACATCGCCTTTCTCACGATCAAGGTAGGGACTGGGCCTG-3'
Protein context (NP_000299.3, residues 429-449): KYGDSGEQIA[Gly439Ser]FVKEFSHIAF